The following is an entry in ClinVar:

ClinVar aggregate classification (germline): Pathogenic (1 of 4 stars; one submission).

Submission:

Labcorp Genetics (formerly Invitae), Labcorp
Classification: Pathogenic. Last evaluated: 2023-08-28. Review status: criteria provided, single submitter. Criteria: Invitae Variant Classification Sherloc (09022015). Collection method: clinical testing. Allele origin: unknown.
Comment: For these reasons, this variant has been classified as Pathogenic. This variant has not been reported in the literature in individuals affected with GORAB-related conditions. This variant results in the deletion of exon 1 and part of exon 2 (c.-186_421del) of the GORAB gene. It is expected to result in an absent or disrupted protein product. Loss-of-function variants in GORAB are known to be pathogenic (PMID: 18997784, 19681135).

Literature cited by the submitters: PubMed 18997784; PubMed 19681135.

NC_000001.10:g.(?_170501104)_(170508635_?)del

Gene: GORAB (golgin, RAB6 interacting; plus strand). Cytogenetic location: 1q24.2.
Variant type: Deletion.
Identifiers: ClinVar variation 3248025 (VCV003248025.1).